The following is an entry in ClinVar:

ClinVar aggregate classification (germline): Uncertain significance (1 of 4 stars; one submission).

Submission:

Ambry Genetics
Classification: Uncertain significance. Last evaluated: 2023-09-25. Review status: criteria provided, single submitter. Criteria: Ambry Variant Classification Scheme 2023. Collection method: clinical testing. Allele origin: germline.
Comment: The p.T213I variant (also known as c.638C>T), located in coding exon 4 of the MNDA gene, results from a C to T substitution at nucleotide position 638. The threonine at codon 213 is replaced by isoleucine, an amino acid with similar properties. This amino acid position is conserved. In addition, this alteration is predicted to be tolerated by in silico analysis. Since supporting evidence is limited at this time, the clinical significance of this alteration remains unclear.

NM_002432.3(MNDA):c.638C>T (p.Thr213Ile)

Gene: MNDA (myeloid cell nuclear differentiation antigen; plus strand). Cytogenetic location: 1q23.1.
Variant type: single nucleotide variant.
Coding change: c.638C>T on transcript NM_002432.3 (MANE Select); coding-DNA position 638, C replaced by T.
Protein change: p.Thr213Ile; replaces threonine 213 with isoleucine.
Molecular consequence: missense variant.
Genome position (GRCh38, 1-based): chr1:158,845,654, C>T. VCF-style: chr1-158845654-C-T. GRCh37 (hg19) VCF-style: chr1-158815444-C-T.
Other names: short protein forms T213I.
Identifiers: ClinVar variation 3222205 (VCV003222205.1), dbSNP rs371223975, ClinGen allele CA343040875.